The following is an entry in ClinVar:

ClinVar aggregate classification (germline): Benign. Review status: criteria provided, multiple submitters, no conflicts (2 of 4 stars). 11 submissions from 9 submitters: Benign (8). 3 of the submissions do not count toward it. Last evaluated 2026-02-02.

Conditions:
Polydactyly. Also called: polydactylism. Identifiers: MedGen C0152427, MONDO:0021003, OMIM 603596, HP:0010442.
Greig cephalopolysyndactyly syndrome (GCPS). Also called: GLI3-Related Greig Cephalopolysyndactyly Syndrome; POLYSYNDACTYLY WITH PECULIAR SKULL SHAPE; Greig syndrome. Identifiers: Orphanet 380, MedGen C0265306, MONDO:0008287, OMIM 175700.
Pallister-Hall syndrome (PHS). Also called: HYPOTHALAMIC HAMARTOBLASTOMA, HYPOPITUITARISM, IMPERFORATE ANUS, AND POSTAXIAL POLYDACTYLY; GLI3-Related Pallister-Hall Syndrome. Identifiers: Orphanet 672, MedGen C0265220, MONDO:0007804, OMIM 146510.

Allele frequency attached by ClinVar (database versions not stated): 1000 Genomes Project 30x 0.01811; 1000 Genomes Project 0.01917; TOPMed 0.03213; gnomAD 0.03450 and 0.03460; ExAC 0.03667; gnomAD exomes 0.03721 and 0.05112; ESP Exome Variant Server 0.04021.
gnomAD v4.1: 79,763 of 1,614,054 alleles (4.9%); highest among the groups gnomAD compares: Non-Finnish European, 5.7%; 2,223 homozygotes.

Submissions (11):

Labcorp Genetics (formerly Invitae), Labcorp
Classification: Benign for Pallister-Hall syndrome; Greig cephalopolysyndactyly syndrome. Last evaluated: 2026-02-02. Review status: criteria provided, single submitter. Criteria: Invitae Variant Classification Sherloc (09022015). Collection method: clinical testing. Allele origin: germline.

Blueprint Genetics
Classification: Benign. Last evaluated: 2024-11-27. Review status: criteria provided, single submitter. Criteria: ACMG Guidelines, 2015. Collection method: clinical testing. Allele origin: germline.

Mayo Clinic Laboratories, Mayo Clinic
Classification: Benign. Last evaluated: 2023-01-17. Review status: criteria provided, single submitter. Criteria: ACMG Guidelines, 2015. Collection method: clinical testing. Allele origin: germline. Observed: 4 variant alleles.
Comment: BA1, BS2

Illumina Laboratory Services, Illumina
Classification: Benign for Pallister-Hall syndrome. Last evaluated: 2018-01-13. Review status: criteria provided, single submitter. Criteria: ICSL Variant Classification Criteria 13 December 2019. Collection method: clinical testing. Allele origin: germline.
Comment: This variant was observed in the ICSL laboratory as part of a predisposition screen in an ostensibly healthy population. It had not been previously curated by ICSL or reported in the Human Gene Mutation Database (HGMD: prior to June 1st, 2018), and was therefore a candidate for classification through an automated scoring system. Utilizing variant allele frequency, disease prevalence and penetrance estimates, and inheritance mode, an automated score was calculated to assess if this variant is too frequent to cause the disease. Based on the score and internal cut-off values, a variant classified as benign is not then subjected to further curation. The score for this variant resulted in a classification of benign for this disease.

Illumina Laboratory Services, Illumina
Classification: Benign for Polydactyly. Last evaluated: 2018-01-13. Review status: criteria provided, single submitter. Criteria: ICSL Variant Classification Criteria 13 December 2019. Collection method: clinical testing. Allele origin: germline.
Comment: the same text as in the submission from Illumina Laboratory Services, Illumina above.

Illumina Laboratory Services, Illumina
Classification: Benign for Greig cephalopolysyndactyly syndrome. Last evaluated: 2018-01-13. Review status: criteria provided, single submitter. Criteria: ICSL Variant Classification Criteria 13 December 2019. Collection method: clinical testing. Allele origin: germline.
Comment: the same text as in the submission from Illumina Laboratory Services, Illumina above.

GeneDx
Classification: Benign. Last evaluated: 2015-03-03. Review status: criteria provided, single submitter. Criteria: GeneDx Variant Classification Process June 2021. Collection method: clinical testing. Allele origin: germline. Affected: yes.
Comment: This variant is associated with the following publications: (PMID: 31139930)

PreventionGenetics, part of Exact Sciences
Classification: Benign. Review status: criteria provided, single submitter. Criteria: ACMG Guidelines, 2015. Collection method: clinical testing. Allele origin: germline.

Clinical Genetics DNA and cytogenetics Diagnostics Lab, Erasmus MC, Erasmus Medical Center
Classification: Benign. Review status: no assertion criteria provided. Collection method: clinical testing. Allele origin: germline. Affected: yes. Study: VKGL Data-share Consensus. Not counted in ClinVar's aggregate classification.

Clinical Genetics, Academic Medical Center
Classification: Benign. Review status: no assertion criteria provided. Collection method: clinical testing. Allele origin: germline. Affected: yes. Study: VKGL Data-share Consensus. Not counted in ClinVar's aggregate classification.

Laboratory of Diagnostic Genome Analysis, Leiden University Medical Center (LUMC)
Classification: Likely benign. Review status: no assertion criteria provided. Collection method: clinical testing. Allele origin: germline. Affected: yes. Study: VKGL Data-share Consensus. Not counted in ClinVar's aggregate classification.

NM_000168.6(GLI3):c.4609C>T (p.Arg1537Cys)

Gene: GLI3 (GLI family zinc finger 3; minus strand). Cytogenetic location: 7p14.1.
Variant type: single nucleotide variant.
Coding change: c.4609C>T on transcript NM_000168.6 (MANE Select); coding-DNA position 4609, C replaced by T.
Protein change: p.Arg1537Cys; replaces arginine 1537 with cysteine.
Molecular consequence: missense variant.
Genome position (GRCh38, 1-based): chr7:41,964,464, G>A on the plus strand (C>T on the coding strand, the complement: GLI3 is on the minus strand). VCF-style: chr7-41964464-G-A. GRCh37 (hg19) VCF-style: chr7-42004062-G-A.
Other names: short protein forms R1537C.
Identifiers: ClinVar variation 255443 (VCV000255443.22), dbSNP rs35364414, ClinGen allele CA4230091.